The following is an entry in ClinVar:

NM_003119.4(SPG7):c.618+15G>A

Gene: SPG7 (SPG7 matrix AAA peptidase subunit, paraplegin; plus strand). Cytogenetic location: 16q24.3.
Variant type: single nucleotide variant.
Coding change: c.618+15G>A on transcript NM_003119.4 (MANE Select); 15 bases into the intron after coding-DNA position 618, G replaced by A.
Molecular consequence: intron variant.
Genome position (GRCh38, 1-based): chr16:89,524,262, G>A. VCF-style: chr16-89524262-G-A. GRCh37 (hg19) VCF-style: chr16-89590670-G-A.
Other names: c.618+15G>A (NM_001363850.1, NM_199367.3).
Identifiers: ClinVar variation 381026 (VCV000381026.1), dbSNP rs766767456, ClinGen allele CA8243693.

ClinVar aggregate classification (germline): Likely benign (1 of 4 stars; one submission).

Allele frequency attached by ClinVar (database versions not stated): TOPMed 0.00005.

Submission:

GeneDx
Classification: Likely benign. Last evaluated: 2015-10-15. Review status: criteria provided, single submitter. Criteria: GeneDx Variant Classification (06012015). Collection method: clinical testing. Allele origin: germline. Affected: yes.
Comment: This variant is considered likely benign or benign based on one or more of the following criteria: it is a conservative change, it occurs at a poorly conserved position in the protein, it is predicted to be benign by multiple in silico algorithms, and/or has population frequency not consistent with disease.